The following is an entry in ClinVar:

NM_020461.4(TUBGCP6):c.1753C>T (p.Pro585Ser)

Gene: TUBGCP6 (tubulin gamma complex component 6; minus strand). Cytogenetic location: 22q13.33.
Variant type: single nucleotide variant.
Coding change: c.1753C>T on transcript NM_020461.4 (MANE Select); coding-DNA position 1753, C replaced by T.
Protein change: p.Pro585Ser; replaces proline 585 with serine.
Molecular consequence: missense variant.
Genome position (GRCh38, 1-based): chr22:50,226,130, G>A on the plus strand (C>T on the coding strand, the complement: TUBGCP6 is on the minus strand). VCF-style: chr22-50226130-G-A. GRCh37 (hg19) VCF-style: chr22-50664559-G-A.
Other names: short protein forms P585S.
Identifiers: ClinVar variation 1406204 (VCV001406204.6), dbSNP rs759505934, ClinGen allele CA10308526.

ClinVar aggregate classification (germline): Uncertain significance (1 of 4 stars; one submission).

Allele frequency attached by ClinVar (database versions not stated): ExAC 0.00001; gnomAD 0.00001; gnomAD exomes 0.00001; TOPMed 0.00001.
gnomAD v4.1: 14 of 1,614,048 alleles (0.00087%); highest among the groups gnomAD compares: Admixed American, 0.0017%; no homozygotes.

Submission:

Labcorp Genetics (formerly Invitae), Labcorp
Classification: Uncertain significance. Last evaluated: 2023-04-24. Review status: criteria provided, single submitter. Criteria: Invitae Variant Classification Sherloc (09022015). Collection method: clinical testing. Allele origin: germline.
Comment: In summary, the available evidence is currently insufficient to determine the role of this variant in disease. Therefore, it has been classified as a Variant of Uncertain Significance. An algorithm developed to predict the effect of missense changes on protein structure and function (PolyPhen-2) suggests that this variant is likely to be disruptive. ClinVar contains an entry for this variant (Variation ID: 1406204). This missense change has been observed in individual(s) with clinical features of TUBGCP6-related condition (PMID: 34906519). This variant is present in population databases (rs759505934, gnomAD 0.0009%). This sequence change replaces proline, which is neutral and non-polar, with serine, which is neutral and polar, at codon 585 of the TUBGCP6 protein (p.Pro585Ser).

Literature cited by the submitters: PubMed 34906519.